The following is an entry in ClinVar:

ClinVar aggregate classification (germline): Pathogenic (1 of 4 stars; one submission).

Submission:

Mayo Clinic Laboratories, Mayo Clinic
Classification: Pathogenic. Last evaluated: 2022-11-18. Review status: criteria provided, single submitter. Criteria: ACMG Guidelines, 2015. Collection method: clinical testing. Allele origin: germline. Observed: 1 variant allele.
Comment: PP3, PM1, PM2, PS3, PS4_moderate

NM_000488.4(SERPINC1):c.1109T>C (p.Met370Thr)

Gene: SERPINC1 (serpin family C member 1; minus strand). Cytogenetic location: 1q25.1.
Variant type: single nucleotide variant.
Coding change: c.1109T>C on transcript NM_000488.4 (MANE Select); coding-DNA position 1109, T replaced by C.
Protein change: p.Met370Thr; replaces methionine 370 with threonine.
Molecular consequence: missense variant.
Genome position (GRCh38, 1-based): chr1:173,909,596, A>G on the plus strand (T>C on the coding strand, the complement: SERPINC1 is on the minus strand). VCF-style: chr1-173909596-A-G. GRCh37 (hg19) VCF-style: chr1-173878734-A-G.
Other names: p.Met370Thr; c.965T>C, p.Met322Thr (NM_001365052.2); c.1232T>C, p.Met411Thr (NM_001386302.1); c.1190T>C, p.Met397Thr (NM_001386303.1); c.1088T>C, p.Met363Thr (NM_001386304.1); c.1052T>C, p.Met351Thr (NM_001386305.1); c.893T>C, p.Met298Thr (NM_001386306.1); short protein forms M298T, M322T, M351T, M363T, M370T, M397T, M411T.
Identifiers: ClinVar variation 2683224 (VCV002683224.1), dbSNP rs2526569302, ClinGen allele CA343773554.